The following is an entry in ClinVar:

NM_001384474.1(LOXHD1):c.4005del (p.Val1336fs)

Gene: LOXHD1 (lipoxygenase homology PLAT domains 1; minus strand). Cytogenetic location: 18q21.1.
Variant type: Deletion.
Coding change: c.4005del on transcript NM_001384474.1 (MANE Select); coding-DNA position 4005, one base deleted (C; older notation c.4005delC).
Protein change: p.Val1336fs; shifts the reading frame from valine 1336.
Molecular consequence: frameshift variant.
Genome position (GRCh38, 1-based): chr18:46,538,246, G deleted on the plus strand (C on the coding strand, the reverse complement: LOXHD1 is on the minus strand); the first of 2 consecutive G bases (chr18:46,538,246-46,538,247); deleting either gives the same sequence. VCF-style (leftmost placement, unchanged base first): chr18-46538245-CG-C. GRCh37 (hg19) VCF-style: chr18-44118208-CG-C.
Other names: c.4005del (NM_144612.6); c.672del, p.Val225fs (NM_001145472.3); c.384del, p.Val129fs (NM_001308013.2); c.4005del, p.Val1336fs (NM_144612.7); short protein forms V129fs, V1336fs, V225fs.
Identifiers: ClinVar variation 1072165 (VCV001072165.8), dbSNP rs35449699, ClinGen allele CA8952400.
Genomic context (GRCh38, chr18:46,538,245, plus strand): 5'-TCTCAAAGAACTGCTTCTGTTCCCTCTTGTTGGTACACAGATACTTCTGCTGGGTGCACA[CG>C]GCATCGCAGCCATAGATGATGATGAAGATGTTGGCATCTGTCCCAGCAGCAAAGACATCA-3'

ClinVar aggregate classification (germline): Pathogenic/Likely pathogenic. Review status: criteria provided, multiple submitters, no conflicts (2 of 4 stars). 2 submissions from 2 submitters: Pathogenic (1); Likely pathogenic (1). Last evaluated 2024-01-17.

Conditions:
Autosomal recessive nonsyndromic hearing loss 77. Identifiers: Orphanet 90636, MedGen C2746083, MONDO:0013119, OMIM 613079.

Submissions (2):

Fulgent Genetics
Classification: Likely pathogenic for Autosomal recessive nonsyndromic hearing loss 77. Last evaluated: 2024-01-17. Review status: criteria provided, single submitter. Criteria: ACMG Guidelines, 2015. Collection method: clinical testing. Allele origin: germline.

Labcorp Genetics (formerly Invitae), Labcorp
Classification: Pathogenic. Last evaluated: 2020-05-23. Review status: criteria provided, single submitter. Criteria: Invitae Variant Classification Sherloc (09022015). Collection method: clinical testing. Allele origin: germline.
Comment: This sequence change creates a premature translational stop signal (p.Val1336Cysfs*29) in the LOXHD1 gene. It is expected to result in an absent or disrupted protein product. This variant is present in population databases (rs769048123, ExAC 0.01%). This variant has not been reported in the literature in individuals with LOXHD1-related conditions. Loss-of-function variants in LOXHD1 are known to be pathogenic (PMID: 19732867, 21465660, 25792669). For these reasons, this variant has been classified as Pathogenic.

Literature cited by the submitters: PubMed 19732867 (cited by Labcorp Genetics (formerly Invitae), Labcorp); PubMed 21465660 (cited by Labcorp Genetics (formerly Invitae), Labcorp); PubMed 25792669 (cited by Labcorp Genetics (formerly Invitae), Labcorp).